The following is an entry in ClinVar:

NM_001291415.2(KDM6A):c.2800A>G (p.Ile934Val)

Gene: KDM6A (lysine demethylase 6A; plus strand). Cytogenetic location: Xp11.3.
Variant type: single nucleotide variant.
Coding change: c.2800A>G on transcript NM_001291415.2 (MANE Select); coding-DNA position 2800, A replaced by G.
Protein change: p.Ile934Val; replaces isoleucine 934 with valine.
Molecular consequence: missense variant. On other transcripts: non-coding transcript variant (1).
Genome position (GRCh38, 1-based): chrX:45,070,299, A>G. VCF-style: chrX-45070299-A-G. GRCh37 (hg19) VCF-style: chrX-44929544-A-G.
Other names: c.2665A>G, p.Ile889Val (NM_001291416.2, NM_001419811.1); c.2509A>G, p.Ile837Val (NM_001291417.2); c.2407A>G, p.Ile803Val (NM_001291418.2, NM_001419815.1); c.1756A>G, p.Ile586Val (NM_001291421.2); c.2542A>G, p.Ile848Val (NM_001410742.1, NM_001419814.1); c.2800A>G, p.Ile934Val (NM_001419809.1); c.2698A>G, p.Ile900Val (NM_001419810.1, NM_001419813.1); c.2644A>G, p.Ile882Val (NM_001419812.1, NM_021140.4); short protein forms I837V, I848V, I889V, I900V, I586V, I803V, I882V, I934V.
Identifiers: ClinVar variation 4740808 (VCV004740808.1).
Genomic context (GRCh38, chrX:45,070,299, plus strand): 5'-TCTCAGAGCCCCATGAAAACAGATCTGCTTCTGGTTAACCACAAACCTAGTCCACAGATC[A>G]TACCATCAATGTCTGTGTCCATATACCCCAGCTCAGCAGAAGTTCTGAAGGCATGCAGGT-3'
Protein context (NP_001278344.1, residues 924-944): LVNHKPSPQI[Ile934Val]PSMSVSIYPS

ClinVar aggregate classification (germline): Uncertain significance (1 of 4 stars; one submission).

Conditions:
Kabuki syndrome 2 (KABUK2). Also called: KDM6A-Related Kabuki Syndrome. Identifiers: Orphanet 2322, MedGen C3275495, MONDO:0010465, OMIM 300867.

Submission:

Labcorp Genetics (formerly Invitae), Labcorp
Classification: Uncertain significance for Kabuki syndrome 2. Last evaluated: 2025-06-29. Review status: criteria provided, single submitter. Criteria: Invitae Variant Classification Sherloc (09022015). Collection method: clinical testing. Allele origin: germline.
Comment: This sequence change replaces isoleucine, which is neutral and non-polar, with valine, which is neutral and non-polar, at codon 882 of the KDM6A protein (p.Ile882Val). This variant is not present in population databases (gnomAD no frequency). This variant has not been reported in the literature in individuals affected with KDM6A-related conditions. Invitae Evidence Modeling of protein sequence and biophysical properties (such as structural, functional, and spatial information, amino acid conservation, physicochemical variation, residue mobility, and thermodynamic stability) indicates that this missense variant is not expected to disrupt KDM6A protein function with a negative predictive value of 80%. In summary, the available evidence is currently insufficient to determine the role of this variant in disease. Therefore, it has been classified as a Variant of Uncertain Significance.